The following is an entry in ClinVar:

ClinVar aggregate classification (germline): Uncertain significance (1 of 4 stars; one submission).

Allele frequency attached by ClinVar (database versions not stated): gnomAD 0.00001; TOPMed 0.00001.
gnomAD v4.1: 35 of 1,612,854 alleles (0.0022%); highest among the groups gnomAD compares: Non-Finnish European, 0.0029%; no homozygotes.

Submission:

Labcorp Genetics (formerly Invitae), Labcorp
Classification: Uncertain significance. Last evaluated: 2022-02-11. Review status: criteria provided, single submitter. Criteria: Invitae Variant Classification Sherloc (09022015). Collection method: clinical testing. Allele origin: germline.
Comment: This sequence change replaces isoleucine, which is neutral and non-polar, with threonine, which is neutral and polar, at codon 1854 of the LRP2 protein (p.Ile1854Thr). This variant is present in population databases (no rsID available, gnomAD 0.002%). This variant has not been reported in the literature in individuals affected with LRP2-related conditions. Advanced modeling of protein sequence and biophysical properties (such as structural, functional, and spatial information, amino acid conservation, physicochemical variation, residue mobility, and thermodynamic stability) performed at Invitae indicates that this missense variant is not expected to disrupt LRP2 protein function. In summary, the available evidence is currently insufficient to determine the role of this variant in disease. Therefore, it has been classified as a Variant of Uncertain Significance.

NM_004525.3(LRP2):c.5561T>C (p.Ile1854Thr)

Gene: LRP2 (LDL receptor related protein 2; minus strand). Cytogenetic location: 2q31.1.
Variant type: single nucleotide variant.
Coding change: c.5561T>C on transcript NM_004525.3 (MANE Select); coding-DNA position 5561, T replaced by C.
Protein change: p.Ile1854Thr; replaces isoleucine 1854 with threonine.
Molecular consequence: missense variant.
Genome position (GRCh38, 1-based): chr2:169,220,541, A>G on the plus strand (T>C on the coding strand, the complement: LRP2 is on the minus strand). VCF-style: chr2-169220541-A-G. GRCh37 (hg19) VCF-style: chr2-170077051-A-G.
Other names: short protein forms I1854T.
Identifiers: ClinVar variation 1975035 (VCV001975035.2), dbSNP rs770632247, ClinGen allele CA349138112.